The following is an entry in ClinVar:

NM_004606.5(TAF1):c.1726C>T (p.Pro576Ser)

Gene: TAF1 (TATA-box binding protein associated factor 1; plus strand). Cytogenetic location: Xq13.1.
Variant type: single nucleotide variant.
Coding change: c.1726C>T on transcript NM_004606.5 (MANE Select); coding-DNA position 1726, C replaced by T.
Protein change: p.Pro576Ser; replaces proline 576 with serine.
Molecular consequence: missense variant. On other transcripts: non-coding transcript variant (9).
Genome position (GRCh38, 1-based): chrX:71,382,821, C>T. VCF-style: chrX-71382821-C-T. GRCh37 (hg19) VCF-style: chrX-70602671-C-T.
Other names: P596S; c.1726C>T, p.Pro576Ser (NM_001286074.2); c.1663C>T, p.Pro555Ser (NM_138923.4); short protein forms P555S, P576S.
Identifiers: ClinVar variation 219117 (VCV000219117.19), dbSNP rs864321630, ClinGen allele CA279934.

ClinVar aggregate classification (germline): Conflicting classifications of pathogenicity. Review status: criteria provided, conflicting classifications (1 of 4 stars). 5 submissions from 5 submitters: Likely pathogenic (3); Uncertain significance (1). 1 of the submissions does not count toward it. Last evaluated 2024-11-01.

Conditions:
Intellectual developmental disorder, X-linked, syndromic 33. Also called: X-linked intellectual disability-global development delay-facial dysmorphism-sacral caudal remnant syndrome; Intellectual disability, X-linked, syndromic 33. Identifiers: Orphanet 480907, MedGen C4225418, MONDO:0010500, OMIM 300966.

gnomAD v4.1: 1 of 1,210,172 alleles (0.000083%); highest among the groups gnomAD compares: Non-Finnish European, 0.00011%; no homozygotes.

Submissions (5):

CeGaT Center for Human Genetics Tuebingen
Classification: Uncertain significance. Last evaluated: 2024-11-01. Review status: criteria provided, single submitter. Criteria: CeGaT Center For Human Genetics Tuebingen Variant Classification Criteria Version 2. Collection method: clinical testing. Allele origin: germline. Affected: yes. Observed: 1 variant allele.
Comment: TAF1: PM2, PS4:Moderate

Genome Medicine, Institute for Basic Research in Developmental Disabilities
Classification: Likely pathogenic for Intellectual developmental disorder, X-linked, syndromic 33. Last evaluated: 2022-08-08. Review status: criteria provided, single submitter. Criteria: O'Rawe JA et al. (Am J Hum Genet 2015). Collection method: clinical testing. Allele origin: maternal. Affected: yes. Observed: 3 variant alleles.

GeneDx
Classification: Likely pathogenic. Last evaluated: 2017-03-16. Review status: criteria provided, single submitter. Criteria: GeneDx Variant Classification (06012015). Collection method: clinical testing. Allele origin: germline. Affected: yes.
Comment: The P596S variant in the TAF1 gene has been reported in three brothers of Colombian descent withpostnatal growth failure, dysmorphic features, intellectual disability, joint hypermobility, hearing lossand abnormal gluteal crease (O'Rawe et al., 2015). The P596S variant is not observed in largepopulation cohorts (Lek et al., 2016; 1000 Genomes Consortium et al., 2015; Exome Variant Server).The P596S variant is a non-conservative amino acid substitution, which is likely to impact secondaryprotein structure as these residues differ in polarity, charge, size and/or other properties. Thissubstitution occurs in the histone acetyltransferase domain at a position that is conserved acrossspecies and in silico analysis predicts this variant is probably damaging to the proteinstructure/function. The P596S variant is a strong candidate for a pathogenic variant; however the possibility it may be a rare benign variant cannot be excluded.

Institute for Medical Genetics and Human Genetics, Charité - Universitätsmedizin Berlin
Classification: Likely pathogenic for Intellectual developmental disorder, X-linked, syndromic 33. Review status: criteria provided, single submitter. Criteria: ACMG Guidelines, 2015. Collection method: not provided. Allele origin: germline. Inheritance: X-linked recessive inheritance. Affected: yes.

OMIM
Classification: Pathogenic for INTELLECTUAL DEVELOPMENTAL DISORDER, X-LINKED, SYNDROMIC 33. Last evaluated: 2015-12-03. Review status: no assertion criteria provided. Collection method: literature only. Allele origin: germline. Not counted in ClinVar's aggregate classification.

Literature cited by the submitters: PubMed 26637982 (cited by OMIM).